The following is an entry in ClinVar:

NM_006031.6(PCNT):c.9996G>A (p.Pro3332=)

Gene: PCNT (pericentrin; plus strand). Cytogenetic location: 21q22.3.
Variant type: single nucleotide variant.
Coding change: c.9996G>A on transcript NM_006031.6 (MANE Select); coding-DNA position 9996, G replaced by A.
Protein change: p.Pro3332=; no amino-acid change (proline 3332 retained).
Molecular consequence: synonymous variant.
Genome position (GRCh38, 1-based): chr21:46,445,312, G>A. VCF-style: chr21-46445312-G-A. GRCh37 (hg19) VCF-style: chr21-47865225-G-A.
Other names: c.9996G>A (NM_006031.5); c.9405G>A, p.Pro3135= (NM_001315529.2).
Identifiers: ClinVar variation 3020299 (VCV003020299.4), dbSNP rs546065246, ClinGen allele CA10081583.

ClinVar aggregate classification (germline): Likely benign. Review status: criteria provided, multiple submitters, no conflicts (2 of 4 stars). 2 submissions from 2 submitters: Likely benign (2). Last evaluated 2025-01-03.

Conditions:
PCNT-related disorder. Also called: PCNT-related condition.

Allele frequency attached by ClinVar (database versions not stated): ExAC 0.00001; gnomAD 0.00001; TOPMed 0.00001; 1000 Genomes Project 30x 0.00016; 1000 Genomes Project 0.00020.
gnomAD v4.1: 15 of 1,608,260 alleles (0.00093%); highest among the groups gnomAD compares: South Asian, 0.0055%; no homozygotes.

Submissions (2):

PreventionGenetics, part of Exact Sciences
Classification: Likely benign for PCNT-related condition. Last evaluated: 2025-01-03. Review status: criteria provided, single submitter. Criteria: ACMG Guidelines, 2015. Collection method: clinical testing. Allele origin: germline.
Comment: This variant is classified as likely benign based on ACMG/AMP sequence variant interpretation guidelines (Richards et al. 2015 PMID: 25741868, with internal and published modifications).

Labcorp Genetics (formerly Invitae), Labcorp
Classification: Likely benign. Last evaluated: 2024-01-10. Review status: criteria provided, single submitter. Criteria: Invitae Variant Classification Sherloc (09022015). Collection method: clinical testing. Allele origin: germline.